The following is an entry in ClinVar:

ClinVar aggregate classification (germline): Conflicting classifications of pathogenicity. Review status: criteria provided, conflicting classifications (1 of 4 stars). 3 submissions from 3 submitters: Uncertain significance (1); Likely benign (1). 1 of the submissions does not count toward it. Last evaluated 2025-10-22.

Conditions:
EML1-related disorder. Also called: EML1-related condition.

Allele frequency attached by ClinVar (database versions not stated): ESP Exome Variant Server 0.00023; gnomAD 0.00029; 1000 Genomes Project 30x 0.00031; 1000 Genomes Project 0.00040; TOPMed 0.00057.
gnomAD v4.1: 301 of 1,604,804 alleles (0.019%); highest among the groups gnomAD compares: Admixed American, 0.18%; 1 homozygote.

Submissions (3):

Labcorp Genetics (formerly Invitae), Labcorp
Classification: Uncertain significance. Last evaluated: 2025-10-22. Review status: criteria provided, single submitter. Criteria: Invitae Variant Classification Sherloc (09022015). Collection method: clinical testing. Allele origin: germline.
Comment: This sequence change falls in intron 2 of the EML1 gene. It does not directly change the encoded amino acid sequence of the EML1 protein. It affects a nucleotide within the consensus splice site. This variant is present in population databases (rs182486651, gnomAD 0.2%). This variant has not been reported in the literature in individuals affected with EML1-related conditions. ClinVar contains an entry for this variant (Variation ID: 3045998). Variants that disrupt the consensus splice site are a relatively common cause of aberrant splicing (PMID: 17576681, 9536098). Algorithms developed to predict the effect of sequence changes on RNA splicing suggest that this variant is not likely to affect RNA splicing. In summary, the available evidence is currently insufficient to determine the role of this variant in disease. Therefore, it has been classified as a Variant of Uncertain Significance.

Blueprint Genetics
Classification: Likely benign. Last evaluated: 2024-08-16. Review status: criteria provided, single submitter. Criteria: ACMG Guidelines, 2015. Collection method: clinical testing. Allele origin: germline.

PreventionGenetics, part of Exact Sciences
Classification: Likely benign for EML1-related condition. Last evaluated: 2019-02-20. Review status: no assertion criteria provided. Collection method: clinical testing. Allele origin: germline. Not counted in ClinVar's aggregate classification.
Comment: This variant is classified as likely benign based on ACMG/AMP sequence variant interpretation guidelines (Richards et al. 2015 PMID: 25741868, with internal and published modifications).

Literature cited by the submitters: PubMed 17576681 (cited by Labcorp Genetics (formerly Invitae), Labcorp); PubMed 9536098 (cited by Labcorp Genetics (formerly Invitae), Labcorp).

NM_004434.3(EML1):c.250+6C>T

Gene: EML1 (EMAP like 1; plus strand). Cytogenetic location: 14q32.2.
Variant type: single nucleotide variant.
Coding change: c.250+6C>T on transcript NM_004434.3 (MANE Select); 6 bases into the intron after coding-DNA position 250, C replaced by T.
Molecular consequence: intron variant.
Genome position (GRCh38, 1-based): chr14:99,851,041, C>T. VCF-style: chr14-99851041-C-T. GRCh37 (hg19) VCF-style: chr14-100317378-C-T.
Other names: c.211+6C>T (NM_001375411.1); c.250+6C>T (NM_001008707.2, NM_001375412.1).
Identifiers: ClinVar variation 3045998 (VCV003045998.4), dbSNP rs182486651, ClinGen allele CA7342225.